The following is an entry in ClinVar:

NM_013382.7(POMT2):c.1404A>G (p.Lys468=)

Gene: POMT2 (protein O-mannosyltransferase 2; minus strand). Cytogenetic location: 14q24.3.
Variant type: single nucleotide variant.
Coding change: c.1404A>G on transcript NM_013382.7 (MANE Select); coding-DNA position 1404, A replaced by G.
Protein change: p.Lys468=; no amino-acid change (lysine 468 retained).
Molecular consequence: synonymous variant.
Genome position (GRCh38, 1-based): chr14:77,285,561, T>C on the plus strand (A>G on the coding strand, the complement: POMT2 is on the minus strand). VCF-style: chr14-77285561-T-C. GRCh37 (hg19) VCF-style: chr14-77751904-T-C.
Identifiers: ClinVar variation 194247 (VCV000194247.54), dbSNP rs150491326, ClinGen allele CA209704.

ClinVar aggregate classification (germline): Conflicting classifications of pathogenicity. Review status: criteria provided, conflicting classifications (1 of 4 stars). 10 submissions from 10 submitters: Uncertain significance (3); Benign (1); Likely benign (6). Last evaluated 2026-02-04.

Conditions:
Autosomal recessive limb-girdle muscular dystrophy type 2N. Also called: MUSCULAR DYSTROPHY-DYSTROGLYCANOPATHY, LIMB-GIRDLE, POMT2-RELATED; Muscular dystrophy-dystroglycanopathy (limb-girdle), type C, 2. Identifiers: Orphanet 206559, MedGen C3150418, MONDO:0013162, OMIM 613158.
Muscular dystrophy-dystroglycanopathy (congenital with brain and eye anomalies), type A2. Also called: MUSCULAR DYSTROPHY-DYSTROGLYCANOPATHY (CONGENITAL WITH BRAIN AND EYE ANOMALIES), TYPE A, 2; WALKER-WARBURG SYNDROME OR MUSCLE-EYE-BRAIN DISEASE, POMT2-RELATED. Identifiers: Orphanet 588, Orphanet 899, MedGen C3150411, MONDO:0013154, OMIM 613150.
Muscular dystrophy-dystroglycanopathy (congenital with impaired intellectual development), type B, 2. Also called: MUSCULAR DYSTROPHY, CONGENITAL, POMT2-RELATED; Muscular dystrophy-dystroglycanopathy (congenital with intellectual disability), type B2. Identifiers: MedGen C3150416, MONDO:0013160, OMIM 613156.

Allele frequency attached by ClinVar (database versions not stated): 1000 Genomes Project 0.00020; gnomAD exomes 0.00026 and 0.00061; ExAC 0.00028; 1000 Genomes Project 30x 0.00031; TOPMed 0.00041; gnomAD 0.00043 and 0.00044; ESP Exome Variant Server 0.00062.
gnomAD v4.1: 957 of 1,614,164 alleles (0.059%); highest among the groups gnomAD compares: Non-Finnish European, 0.076%; 1 homozygote.

Submissions (11):

Labcorp Genetics (formerly Invitae), Labcorp
Classification: Likely benign for Muscular dystrophy-dystroglycanopathy (congenital with impaired intellectual development), type B, 2; Muscular dystrophy-dystroglycanopathy (congenital with brain and eye anomalies), type A2; Autosomal recessive limb-girdle muscular dystrophy type 2N. Last evaluated: 2026-02-04. Review status: criteria provided, single submitter. Criteria: Invitae Variant Classification Sherloc (09022015). Collection method: clinical testing. Allele origin: germline.

Women's Health and Genetics/Laboratory Corporation of America, LabCorp
Classification: Likely benign. Last evaluated: 2025-03-21. Review status: criteria provided, single submitter. Criteria: LabCorp Variant Classification Summary - May 2015. Collection method: clinical testing. Allele origin: germline.

Blueprint Genetics
Classification: Likely benign. Last evaluated: 2024-08-08. Review status: criteria provided, single submitter. Criteria: ACMG Guidelines, 2015. Collection method: clinical testing. Allele origin: germline.

CeGaT Center for Human Genetics Tuebingen
Classification: Likely benign. Last evaluated: 2022-05-01. Review status: criteria provided, single submitter. Criteria: CeGaT Center For Human Genetics Tuebingen Variant Classification Criteria Version 2. Collection method: clinical testing. Allele origin: germline. Affected: yes. Observed: 1 variant allele.
Comment: POMT2: BP4, BP7

GeneDx
Classification: Likely benign. Last evaluated: 2020-09-23. Review status: criteria provided, single submitter. Criteria: GeneDx Variant Classification Process June 2021. Collection method: clinical testing. Allele origin: germline. Affected: yes.

Athena Diagnostics
Classification: Benign. Last evaluated: 2020-04-07. Review status: criteria provided, single submitter. Criteria: Athena Diagnostics Criteria. Collection method: clinical testing. Allele origin: unknown.

Illumina Laboratory Services, Illumina
Classification: Uncertain significance for Autosomal recessive limb-girdle muscular dystrophy type 2N. Last evaluated: 2018-01-12. Review status: criteria provided, single submitter. Criteria: ICSL Variant Classification Criteria 13 December 2019. Collection method: clinical testing. Allele origin: germline.

Eurofins Ntd Llc (ga)
Classification: Uncertain significance. Last evaluated: 2017-10-27. Review status: criteria provided, single submitter. Criteria: EGL Classification Definitions 2015. Collection method: clinical testing. Allele origin: germline. Observed: 8 variant alleles, 8 heterozygotes.

Genetic Services Laboratory, University of Chicago
Classification: Uncertain significance. Last evaluated: 2015-07-31. Review status: criteria provided, single submitter. Criteria: ACMG Guidelines, 2015. Collection method: clinical testing. Allele origin: germline.

PreventionGenetics, part of Exact Sciences
Classification: Likely benign. Review status: criteria provided, single submitter. Criteria: ACMG Guidelines, 2015. Collection method: clinical testing. Allele origin: germline.

Dr. Peter K. Rogan Lab, Western University
No classification provided (evidence only). Condition: Lung cancer. Review status: no classification provided. Collection method: in vitro. Allele origin: not applicable. Functional consequence: retained intron. Not counted in ClinVar's aggregate classification.